The following is an entry in ClinVar:

NM_017565.4(FAM20A):c.435C>G (p.Asn145Lys)

Gene: FAM20A (FAM20A golgi associated secretory pathway pseudokinase; minus strand). Cytogenetic location: 17q24.2.
Variant type: single nucleotide variant.
Coding change: c.435C>G on transcript NM_017565.4 (MANE Select); coding-DNA position 435, C replaced by G.
Protein change: p.Asn145Lys; replaces asparagine 145 with lysine.
Molecular consequence: missense variant. On other transcripts: non-coding transcript variant (1).
Genome position (GRCh38, 1-based): chr17:68,555,713, G>C on the plus strand (C>G on the coding strand, the complement: FAM20A is on the minus strand). VCF-style: chr17-68555713-G-C. GRCh37 (hg19) VCF-style: chr17-66551854-G-C.
Other names: c.21C>G, p.Asn7Lys (NM_001243746.2); short protein forms N7K, N145K.
Identifiers: ClinVar variation 2125001 (VCV002125001.4), dbSNP rs1164700537, ClinGen allele CA400762538.

ClinVar aggregate classification (germline): Uncertain significance (1 of 4 stars; one submission).

Submission:

Labcorp Genetics (formerly Invitae), Labcorp
Classification: Uncertain significance. Last evaluated: 2024-10-16. Review status: criteria provided, single submitter. Criteria: Invitae Variant Classification Sherloc (09022015). Collection method: clinical testing. Allele origin: germline.
Comment: This sequence change replaces asparagine, which is neutral and polar, with lysine, which is basic and polar, at codon 145 of the FAM20A protein (p.Asn145Lys). This variant is not present in population databases (gnomAD no frequency). This variant has not been reported in the literature in individuals affected with FAM20A-related conditions. ClinVar contains an entry for this variant (Variation ID: 2125001). An algorithm developed to predict the effect of missense changes on protein structure and function (PolyPhen-2) suggests that this variant is likely to be disruptive. In summary, the available evidence is currently insufficient to determine the role of this variant in disease. Therefore, it has been classified as a Variant of Uncertain Significance.